The following is an entry in ClinVar:

NM_018489.3(ASH1L):c.3607A>G (p.Ile1203Val)

Gene: ASH1L (ASH1 like histone lysine methyltransferase; minus strand). Cytogenetic location: 1q22.
Variant type: single nucleotide variant.
Coding change: c.3607A>G on transcript NM_018489.3 (MANE Select); coding-DNA position 3607, A replaced by G.
Protein change: p.Ile1203Val; replaces isoleucine 1203 with valine.
Molecular consequence: missense variant.
Genome position (GRCh38, 1-based): chr1:155,479,263, T>C on the plus strand (A>G on the coding strand, the complement: ASH1L is on the minus strand). VCF-style: chr1-155479263-T-C. GRCh37 (hg19) VCF-style: chr1-155449054-T-C.
Other names: c.3607A>G, p.Ile1203Val (NM_001366177.2); short protein forms I1203V.
Identifiers: ClinVar variation 5008352 (VCV005008352.2).

ClinVar aggregate classification (germline): Uncertain significance (1 of 4 stars; one submission).

Submission:

GeneDx
Classification: Uncertain significance. Last evaluated: 2026-10-19. Review status: criteria provided, single submitter. Criteria: GeneDx Variant Classification Process June 2021. Collection method: clinical testing. Allele origin: germline.
Comment: Not observed at significant frequency in large population cohorts (gnomAD); In silico analysis suggests that this missense variant does not alter protein structure/function; Has not been previously published as pathogenic or benign to our knowledge